The following is an entry in ClinVar:

NM_006904.7(PRKDC):c.3459G>C (p.Leu1153Phe)

Gene: PRKDC (protein kinase, DNA-activated, catalytic subunit; minus strand). Cytogenetic location: 8q11.21.
Variant type: single nucleotide variant.
Coding change: c.3459G>C on transcript NM_006904.7 (MANE Select); coding-DNA position 3459, G replaced by C.
Protein change: p.Leu1153Phe; replaces leucine 1153 with phenylalanine.
Molecular consequence: missense variant.
Genome position (GRCh38, 1-based): chr8:47,898,475, C>G on the plus strand (G>C on the coding strand, the complement: PRKDC is on the minus strand). VCF-style: chr8-47898475-C-G. GRCh37 (hg19) VCF-style: chr8-48811035-C-G.
Other names: c.3459G>C, p.Leu1153Phe (NM_001081640.2); short protein forms L1153F.
Identifiers: ClinVar variation 3425211 (VCV003425211.1).

ClinVar aggregate classification (germline): Uncertain significance (1 of 4 stars; one submission).

Submission:

Ambry Genetics
Classification: Uncertain significance. Last evaluated: 2024-08-19. Review status: criteria provided, single submitter. Criteria: Ambry Variant Classification Scheme 2023. Collection method: clinical testing. Allele origin: germline.
Comment: The p.L1153F variant (also known as c.3459G>C), located in coding exon 29 of the PRKDC gene, results from a G to C substitution at nucleotide position 3459. The leucine at codon 1153 is replaced by phenylalanine, an amino acid with highly similar properties. This amino acid position is conserved. In addition, this alteration is predicted to be tolerated by in silico analysis. Based on the available evidence, the clinical significance of this variant remains unclear.